The following is an entry in ClinVar:

NM_000553.6(WRN):c.1112A>G (p.Glu371Gly)

Gene: WRN (WRN RecQ like helicase; plus strand). Cytogenetic location: 8p12.
Variant type: single nucleotide variant.
Coding change: c.1112A>G on transcript NM_000553.6 (MANE Select); coding-DNA position 1112, A replaced by G.
Protein change: p.Glu371Gly; replaces glutamic acid 371 with glycine.
Molecular consequence: missense variant.
Genome position (GRCh38, 1-based): chr8:31,081,139, A>G. VCF-style: chr8-31081139-A-G. GRCh37 (hg19) VCF-style: chr8-30938655-A-G.
Other names: short protein forms E371G.
Identifiers: ClinVar variation 1495206 (VCV001495206.8), dbSNP rs1585428033, ClinGen allele CA370920792.

ClinVar aggregate classification (germline): Uncertain significance (1 of 4 stars; one submission).

Conditions:
Werner syndrome (WRN). Identifiers: Orphanet 902, MedGen C0043119, MONDO:0010196, OMIM 277700.

Submission:

Labcorp Genetics (formerly Invitae), Labcorp
Classification: Uncertain significance for Werner syndrome. Last evaluated: 2023-09-12. Review status: criteria provided, single submitter. Criteria: Invitae Variant Classification Sherloc (09022015). Collection method: clinical testing. Allele origin: germline.
Comment: In summary, the available evidence is currently insufficient to determine the role of this variant in disease. Therefore, it has been classified as a Variant of Uncertain Significance. ClinVar contains an entry for this variant (Variation ID: 1495206). Algorithms developed to predict the effect of missense changes on protein structure and function output the following: SIFT: "Not Available"; PolyPhen-2: "Benign"; Align-GVGD: "Not Available". The glycine amino acid residue is found in multiple mammalian species, which suggests that this missense change does not adversely affect protein function. This variant has not been reported in the literature in individuals affected with WRN-related conditions. This variant is not present in population databases (gnomAD no frequency). This sequence change replaces glutamic acid, which is acidic and polar, with glycine, which is neutral and non-polar, at codon 371 of the WRN protein (p.Glu371Gly).